The following is an entry in ClinVar:

NM_000037.4(ANK1):c.27+4A>C

Gene: ANK1 (ankyrin 1; minus strand). Cytogenetic location: 8p11.21.
Variant type: single nucleotide variant.
Coding change: c.27+4A>C on transcript NM_000037.4 (MANE Select); 4 bases into the intron after coding-DNA position 27, A replaced by C.
Molecular consequence: intron variant.
Genome position (GRCh38, 1-based): chr8:41,797,508, T>G on the plus strand (A>C on the coding strand, the complement: ANK1 is on the minus strand). VCF-style: chr8-41797508-T-G. GRCh37 (hg19) VCF-style: chr8-41655026-T-G.
Other names: p.?; c.127-39371A>C (NM_001142446.2); c.27+4A>C (NM_020477.3, NM_020475.3, NM_020476.3).
Identifiers: ClinVar variation 4541372 (VCV004541372.1).

ClinVar aggregate classification (germline): Uncertain significance (1 of 4 stars; one submission).

Submission:

Mayo Clinic Laboratories, Mayo Clinic
Classification: Uncertain significance. Last evaluated: 2025-01-09. Review status: criteria provided, single submitter. Criteria: ACMG Guidelines, 2015. Collection method: clinical testing. Allele origin: germline. Observed: 1 variant allele.
Comment: BP7, PM2_supporting